The following is an entry in ClinVar:

ClinVar aggregate classification (germline): Uncertain significance (1 of 4 stars; one submission).

Conditions:
Cardiovascular phenotype. Identifiers: MedGen CN230736.

Submission:

Ambry Genetics
Classification: Uncertain significance for Cardiovascular phenotype. Last evaluated: 2025-01-28. Review status: criteria provided, single submitter. Criteria: Ambry Variant Classification Scheme 2023. Collection method: clinical testing. Allele origin: germline.
Comment: The p.T66I variant (also known as c.197C>T), located in coding exon 2 of the LPL gene, results from a C to T substitution at nucleotide position 197. The threonine at codon 66 is replaced by isoleucine, an amino acid with similar properties. This amino acid position is conserved. In addition, this alteration is predicted to be tolerated by in silico analysis. Based on the available evidence, the clinical significance of this variant remains unclear.

NM_000237.3(LPL):c.197C>T (p.Thr66Ile)

Gene: LPL (lipoprotein lipase; plus strand). Cytogenetic location: 8p21.3.
Variant type: single nucleotide variant.
Coding change: c.197C>T on transcript NM_000237.3 (MANE Select); coding-DNA position 197, C replaced by T.
Protein change: p.Thr66Ile; replaces threonine 66 with isoleucine.
Molecular consequence: missense variant.
Genome position (GRCh38, 1-based): chr8:19,948,288, C>T. VCF-style: chr8-19948288-C-T. GRCh37 (hg19) VCF-style: chr8-19805799-C-T.
Other names: short protein forms T66I.
Identifiers: ClinVar variation 3867853 (VCV003867853.1).